The following is an entry in ClinVar:

ClinVar aggregate classification (germline): Uncertain significance (1 of 4 stars; one submission).

Conditions:
Propionic acidemia (PROP). Also called: GLYCINEMIA, KETOTIC; HYPERGLYCINEMIA WITH KETOACIDOSIS AND LEUKOPENIA; KETOTIC HYPERGLYCINEMIA. Identifiers: Orphanet 35, MedGen C0268579, MONDO:0011628, OMIM 606054, HP:0003571.

Allele frequency attached by ClinVar (database versions not stated): ExAC 0.00001.

Submission:

Labcorp Genetics (formerly Invitae), Labcorp
Classification: Uncertain significance for Propionic acidemia. Last evaluated: 2022-06-13. Review status: criteria provided, single submitter. Criteria: Invitae Variant Classification Sherloc (09022015). Collection method: clinical testing. Allele origin: germline.
Comment: This sequence change replaces serine, which is neutral and polar, with threonine, which is neutral and polar, at codon 252 of the PCCA protein (p.Ser252Thr). This variant is present in population databases (rs752612544, gnomAD 0.0009%). This variant has not been reported in the literature in individuals affected with PCCA-related conditions. Advanced modeling of protein sequence and biophysical properties (such as structural, functional, and spatial information, amino acid conservation, physicochemical variation, residue mobility, and thermodynamic stability) performed at Invitae indicates that this missense variant is expected to disrupt PCCA protein function. In summary, the available evidence is currently insufficient to determine the role of this variant in disease. Therefore, it has been classified as a Variant of Uncertain Significance.

NM_000282.4(PCCA):c.755G>C (p.Ser252Thr)

Gene: PCCA (propionyl-CoA carboxylase subunit alpha; plus strand). Cytogenetic location: 13q32.3.
Variant type: single nucleotide variant.
Coding change: c.755G>C on transcript NM_000282.4 (MANE Select); coding-DNA position 755, G replaced by C.
Protein change: p.Ser252Thr; replaces serine 252 with threonine.
Molecular consequence: missense variant. On other transcripts: 5 prime UTR variant (3), non-coding transcript variant (5).
Genome position (GRCh38, 1-based): chr13:100,262,767, G>C. VCF-style: chr13-100262767-G-C. GRCh37 (hg19) VCF-style: chr13-100915021-G-C.
Other names: c.677G>C, p.Ser226Thr (NM_001127692.3, NM_001352607.2, NM_001352608.2); c.755G>C, p.Ser252Thr (NM_001178004.2, NM_001352605.2, NM_001352606.2 and 1 more transcripts); c.-191G>C (NM_001352610.2, NM_001352611.2, NM_001352612.2); short protein forms S252T, S226T.
Identifiers: ClinVar variation 1981274 (VCV001981274.1), dbSNP rs752612544, ClinGen allele CA7033372.